The following is an entry in ClinVar:

ClinVar aggregate classification (germline): Uncertain significance (1 of 4 stars; one submission).

Submission:

Ambry Genetics
Classification: Uncertain significance. Last evaluated: 2024-10-04. Review status: criteria provided, single submitter. Criteria: Ambry Variant Classification Scheme 2023. Collection method: clinical testing. Allele origin: germline.
Comment: The p.F92C variant (also known as c.275T>G), located in coding exon 3 of the RECQL gene, results from a T to G substitution at nucleotide position 275. The phenylalanine at codon 92 is replaced by cysteine, an amino acid with highly dissimilar properties. This amino acid position is conserved. In addition, this alteration is predicted to be deleterious by in silico analysis. Based on the available evidence, the clinical significance of this variant remains unclear.

NM_002907.4(RECQL):c.275T>G (p.Phe92Cys)

Gene: RECQL (RecQ like helicase; minus strand). Cytogenetic location: 12p12.1.
Variant type: single nucleotide variant.
Coding change: c.275T>G on transcript NM_002907.4 (MANE Select); coding-DNA position 275, T replaced by G.
Protein change: p.Phe92Cys; replaces phenylalanine 92 with cysteine.
Molecular consequence: missense variant.
Genome position (GRCh38, 1-based): chr12:21,490,318, A>C on the plus strand (T>G on the coding strand, the complement: RECQL is on the minus strand). VCF-style: chr12-21490318-A-C. GRCh37 (hg19) VCF-style: chr12-21643252-A-C.
Other names: c.275T>G, p.Phe92Cys (NM_032941.3); short protein forms F92C.
Identifiers: ClinVar variation 3431759 (VCV003431759.1).